The following is an entry in ClinVar:

NM_006206.6(PDGFRA):c.1183G>A (p.Val395Ile)

Gene: PDGFRA (platelet derived growth factor receptor alpha; plus strand). Cytogenetic location: 4q12.
Variant type: single nucleotide variant.
Coding change: c.1183G>A on transcript NM_006206.6 (MANE Select); coding-DNA position 1183, G replaced by A.
Protein change: p.Val395Ile; replaces valine 395 with isoleucine.
Molecular consequence: missense variant.
Genome position (GRCh38, 1-based): chr4:54,270,694, G>A. VCF-style: chr4-54270694-G-A. GRCh37 (hg19) VCF-style: chr4-55136861-G-A.
Other names: c.1183G>A, p.Val395Ile (NM_001347827.2, NM_001347829.2); c.1258G>A, p.Val420Ile (NM_001347828.2); c.1222G>A, p.Val408Ile (NM_001347830.2); short protein forms V395I, V408I, V420I.
Identifiers: ClinVar variation 1360570 (VCV001360570.11), dbSNP rs1354659434, ClinGen allele CA356891998.

ClinVar aggregate classification (germline): Uncertain significance. Review status: criteria provided, multiple submitters, no conflicts (2 of 4 stars). 2 submissions from 2 submitters: Uncertain significance (2). Last evaluated 2024-07-22.

Conditions:
Gastrointestinal stromal tumor. Also called: Gastrointestinal stroma tumor; Gastrointestinal stromal tumor, somatic. Identifiers: Orphanet 44890, MedGen C0238198, MeSH D046152, MONDO:0011719, OMIM 606764, HP:0100723.
Hereditary cancer-predisposing syndrome. Also called: Tumor predisposition; Hereditary Cancer Syndrome; Hereditary neoplastic syndrome; Neoplastic Syndromes, Hereditary. Identifiers: Orphanet 140162, MedGen C0027672, MeSH D009386, MONDO:0015356.

Submissions (2):

Labcorp Genetics (formerly Invitae), Labcorp
Classification: Uncertain significance for Gastrointestinal stromal tumor. Last evaluated: 2024-07-22. Review status: criteria provided, single submitter. Criteria: Invitae Variant Classification Sherloc (09022015). Collection method: clinical testing. Allele origin: germline.
Comment: This sequence change replaces valine, which is neutral and non-polar, with isoleucine, which is neutral and non-polar, at codon 395 of the PDGFRA protein (p.Val395Ile). This variant is not present in population databases (gnomAD no frequency). This variant has not been reported in the literature in individuals affected with PDGFRA-related conditions. ClinVar contains an entry for this variant (Variation ID: 1360570). Advanced modeling of protein sequence and biophysical properties (such as structural, functional, and spatial information, amino acid conservation, physicochemical variation, residue mobility, and thermodynamic stability) performed at Invitae indicates that this missense variant is not expected to disrupt PDGFRA protein function with a negative predictive value of 80%. In summary, the available evidence is currently insufficient to determine the role of this variant in disease. Therefore, it has been classified as a Variant of Uncertain Significance.

Ambry Genetics
Classification: Uncertain significance for Hereditary cancer-predisposing syndrome. Last evaluated: 2024-06-15. Review status: criteria provided, single submitter. Criteria: Ambry Variant Classification Scheme 2023. Collection method: clinical testing. Allele origin: germline.
Comment: The p.V395I variant (also known as c.1183G>A), located in coding exon 7 of the PDGFRA gene, results from a G to A substitution at nucleotide position 1183. The valine at codon 395 is replaced by isoleucine, an amino acid with highly similar properties. This amino acid position is conserved. In addition, this alteration is predicted to be tolerated by in silico analysis. Since supporting evidence is limited at this time, the clinical significance of this alteration remains unclear.